The following is an entry in ClinVar:

ClinVar aggregate classification (germline): Uncertain significance (1 of 4 stars; one submission).

Allele frequency attached by ClinVar (database versions not stated): gnomAD exomes below 0.00001; gnomAD 0.00001; TOPMed 0.00001.
gnomAD v4.1: 2 of 1,613,264 alleles (0.00012%); highest among the groups gnomAD compares: African/African-American, 0.0027%; no homozygotes.

Submission:

Labcorp Genetics (formerly Invitae), Labcorp
Classification: Uncertain significance. Last evaluated: 2022-11-01. Review status: criteria provided, single submitter. Criteria: Invitae Variant Classification Sherloc (09022015). Collection method: clinical testing. Allele origin: germline.
Comment: This variant has not been reported in the literature in individuals affected with MPDZ-related conditions. This variant is not present in population databases (gnomAD no frequency). This sequence change replaces glutamic acid, which is acidic and polar, with lysine, which is basic and polar, at codon 1930 of the MPDZ protein (p.Glu1930Lys). In summary, the available evidence is currently insufficient to determine the role of this variant in disease. Therefore, it has been classified as a Variant of Uncertain Significance. Algorithms developed to predict the effect of missense changes on protein structure and function are either unavailable or do not agree on the potential impact of this missense change (SIFT: "Deleterious"; PolyPhen-2: "Possibly Damaging"; Align-GVGD: "Class C0"). ClinVar contains an entry for this variant (Variation ID: 1391174).

NM_001378778.1(MPDZ):c.5875G>A (p.Glu1959Lys)

Gene: MPDZ (multiple PDZ domain crumbs cell polarity complex component; minus strand). Cytogenetic location: 9p23.
Variant type: single nucleotide variant.
Coding change: c.5875G>A on transcript NM_001378778.1 (MANE Select); coding-DNA position 5875, G replaced by A.
Protein change: p.Glu1959Lys; replaces glutamic acid 1959 with lysine.
Molecular consequence: missense variant.
Genome position (GRCh38, 1-based): chr9:13,110,019, C>T on the plus strand (G>A on the coding strand, the complement: MPDZ is on the minus strand). VCF-style: chr9-13110019-C-T. GRCh37 (hg19) VCF-style: chr9-13110018-C-T.
Other names: c.5467G>A, p.Glu1823Lys (NM_001375427.1); c.5788G>A, p.Glu1930Lys (NM_003829.5); c.5776G>A, p.Glu1926Lys (NM_001261406.2, NM_001375416.1, NM_001375417.1 and 1 more transcripts); c.5689G>A, p.Glu1897Lys (NM_001261407.2, NM_001375419.1); c.5875G>A, p.Glu1959Lys (NM_001330637.2); c.5974G>A, p.Glu1992Lys (NM_001375413.1); c.5665G>A, p.Glu1889Lys (NM_001375420.1, NM_001375421.1, NM_001375422.1 and 2 more transcripts); c.5578G>A, p.Glu1860Lys (NM_001375425.1, NM_001375426.1); short protein forms E1930K, E1823K, E1860K, E1897K, E1926K, E1889K, E1959K, E1992K.
Identifiers: ClinVar variation 1391174 (VCV001391174.6), dbSNP rs1474340356, ClinGen allele CA372940280.